The following is an entry in ClinVar:

NM_000829.4(GRIA4):c.1699A>G (p.Arg567Gly)

Gene: GRIA4 (glutamate ionotropic receptor AMPA type subunit 4; plus strand). Cytogenetic location: 11q22.3.
Variant type: single nucleotide variant.
Coding change: c.1699A>G on transcript NM_000829.4 (MANE Select); coding-DNA position 1699, A replaced by G.
Protein change: p.Arg567Gly; replaces arginine 567 with glycine.
Molecular consequence: missense variant. On other transcripts: non-coding transcript variant (1).
Genome position (GRCh38, 1-based): chr11:105,924,621, A>G. VCF-style: chr11-105924621-A-G. GRCh37 (hg19) VCF-style: chr11-105795347-A-G.
Other names: c.1699A>G, p.Arg567Gly (NM_001077243.3); short protein forms R567G.
Identifiers: ClinVar variation 3363897 (VCV003363897.2).
Genomic context (GRCh38, chr11:105,924,621, plus strand): 5'-ATTTGGATGTGCATAGTCTTTGCCTACATTGGTGTCAGCGTGGTCTTATTCCTAGTTAGT[A>G]GATTTAGTCCATATGAGTGGCACACAGAAGAGCCAGAGGACGGAAAGGAAGGACCCAGCG-3'
Protein context (NP_000820.4, residues 557-577): GVSVVLFLVS[Arg567Gly]FSPYEWHTEE

ClinVar aggregate classification (germline): Uncertain significance (1 of 4 stars; one submission).

Submission:

GeneDx
Classification: Uncertain significance. Last evaluated: 2026-07-19. Review status: criteria provided, single submitter. Criteria: GeneDx Variant Classification Process June 2021. Collection method: clinical testing. Allele origin: germline.
Comment: Not observed at significant frequency in large population cohorts (gnomAD); In silico analysis supports that this missense variant has a deleterious effect on protein structure/function; Has not been previously published as pathogenic or benign to our knowledge